The following is an entry in ClinVar:

NM_004817.4(TJP2):c.1025G>T (p.Gly342Val)

Gene: TJP2 (tight junction protein 2; plus strand). Cytogenetic location: 9q21.11.
Variant type: single nucleotide variant.
Coding change: c.1025G>T on transcript NM_004817.4 (MANE Select); coding-DNA position 1025, G replaced by T.
Protein change: p.Gly342Val; replaces glycine 342 with valine.
Molecular consequence: missense variant.
Genome position (GRCh38, 1-based): chr9:69,225,376, G>T. VCF-style: chr9-69225376-G-T. GRCh37 (hg19) VCF-style: chr9-71840292-G-T.
Other names: c.956G>T, p.Gly319Val (NM_001170414.2, NM_001369870.1, NM_001369871.1); c.1037G>T, p.Gly346Val (NM_001170415.1, NM_001369874.1, NM_001369875.1); c.1118G>T, p.Gly373Val (NM_001170416.2); c.1025G>T, p.Gly342Val (NM_001369872.1, NM_001369873.1, NM_201629.3); short protein forms G319V, G342V, G346V, G373V.
Identifiers: ClinVar variation 3774619 (VCV003774619.1).
Genomic context (GRCh38, chr9:69,225,376, plus strand): 5'-GGCTTGGGAGTCAGATCTTCGTAAAGGAAATGACCCGAACGGGTCTGGCAACTAAAGATG[G>T]CAACCTTCACGAAGGAGACATAATTCTCAAGGTGGGTAGATGGGGGCAGAGAACGGTAGT-3'
Protein context (NP_004808.2, residues 332-352): MTRTGLATKD[Gly342Val]NLHEGDIILK

ClinVar aggregate classification (germline): Uncertain significance (1 of 4 stars; one submission).

gnomAD v4.1: 6 of 1,613,734 alleles (0.00037%); highest among the groups gnomAD compares: Middle Eastern, 0.017%; no homozygotes.

Submission:

GeneDx
Classification: Uncertain significance. Last evaluated: 2024-09-26. Review status: criteria provided, single submitter. Criteria: GeneDx Variant Classification Process June 2021. Collection method: clinical testing. Allele origin: germline. Affected: yes.
Comment: In silico analysis supports that this missense variant has a deleterious effect on protein structure/function; Has not been previously published as pathogenic or benign to our knowledge